The following is an entry in ClinVar:

ClinVar aggregate classification (germline): Uncertain significance (1 of 4 stars; one submission).

Allele frequency attached by ClinVar (database versions not stated): gnomAD exomes below 0.00001; gnomAD 0.00001; TOPMed 0.00001.
gnomAD v4.1: 3 of 1,608,108 alleles (0.00019%); highest among the groups gnomAD compares: Non-Finnish European, 0.00026%; no homozygotes.

Submission:

GeneDx
Classification: Uncertain significance. Last evaluated: 2022-11-17. Review status: criteria provided, single submitter. Criteria: GeneDx Variant Classification Process June 2021. Collection method: clinical testing. Allele origin: germline. Affected: yes.
Comment: Not observed at significant frequency in large population cohorts (gnomAD); In silico analysis supports that this missense variant does not alter protein structure/function; Has not been previously published as pathogenic or benign to our knowledge

NM_032119.4(ADGRV1):c.3410C>T (p.Ala1137Val)

Gene: ADGRV1 (adhesion G protein-coupled receptor V1; plus strand). Cytogenetic location: 5q14.3.
Variant type: single nucleotide variant.
Coding change: c.3410C>T on transcript NM_032119.4 (MANE Select); coding-DNA position 3410, C replaced by T.
Protein change: p.Ala1137Val; replaces alanine 1137 with valine.
Molecular consequence: missense variant. On other transcripts: non-coding transcript variant (1).
Genome position (GRCh38, 1-based): chr5:90,651,724, C>T. VCF-style: chr5-90651724-C-T. GRCh37 (hg19) VCF-style: chr5-89947541-C-T.
Other names: short protein forms A1137V.
Identifiers: ClinVar variation 2502726 (VCV002502726.1), dbSNP rs1450298819, ClinGen allele CA360396035.